The following is an entry in ClinVar:

ClinVar aggregate classification (germline): Uncertain significance (1 of 4 stars; one submission).

gnomAD v4.1: 2 of 1,614,168 alleles (0.00012%); highest among the groups gnomAD compares: Non-Finnish European, 0.000085%; no homozygotes.

Submission:

Labcorp Genetics (formerly Invitae), Labcorp
Classification: Uncertain significance. Last evaluated: 2022-11-01. Review status: criteria provided, single submitter. Criteria: Invitae Variant Classification Sherloc (09022015). Collection method: clinical testing. Allele origin: germline.
Comment: This sequence change replaces glutamic acid, which is acidic and polar, with aspartic acid, which is acidic and polar, at codon 282 of the NACC1 protein (p.Glu282Asp). This variant is not present in population databases (gnomAD no frequency). This variant has not been reported in the literature in individuals affected with NACC1-related conditions. ClinVar contains an entry for this variant (Variation ID: 1346969). Advanced modeling of protein sequence and biophysical properties (such as structural, functional, and spatial information, amino acid conservation, physicochemical variation, residue mobility, and thermodynamic stability) performed at Invitae indicates that this missense variant is not expected to disrupt NACC1 protein function. In summary, the available evidence is currently insufficient to determine the role of this variant in disease. Therefore, it has been classified as a Variant of Uncertain Significance.

NM_052876.4(NACC1):c.846G>C (p.Glu282Asp)

Gene: NACC1 (nucleus accumbens associated 1; plus strand). Cytogenetic location: 19p13.13.
Variant type: single nucleotide variant.
Coding change: c.846G>C on transcript NM_052876.4 (MANE Select); coding-DNA position 846, G replaced by C.
Protein change: p.Glu282Asp; replaces glutamic acid 282 with aspartic acid.
Molecular consequence: missense variant.
Genome position (GRCh38, 1-based): chr19:13,136,053, G>C. VCF-style: chr19-13136053-G-C. GRCh37 (hg19) VCF-style: chr19-13246867-G-C.
Other names: short protein forms E282D.
Identifiers: ClinVar variation 1346969 (VCV001346969.8), dbSNP rs760172169, ClinGen allele CA404326595.
Genomic context (GRCh38, chr19:13,136,053, plus strand): 5'-CAGCCCAGGCACCTCAAGCGCCTACACCAGCGACAGCCCTGGCTCCTACCACAATGAGGA[G>C]GACGAGGAGGAGGATGGTGGCGAGGAGGGCATGGATGAGCAGTACCGGCAGATCTGCAAC-3'
Protein context (NP_443108.1, residues 272-292): SDSPGSYHNE[Glu282Asp]DEEEDGGEEG